The following is an entry in ClinVar:

NM_001267550.2(TTN):c.48177del (p.Glu16061fs)

Genes: TTN-AS1 (TTN antisense RNA 1; plus strand), TTN (titin; minus strand). Cytogenetic location: 2q31.2.
Variant type: Deletion.
Coding change: c.48177del on transcript NM_001267550.2 (MANE Select); coding-DNA position 48177, one base deleted (C; older notation c.48177delC).
Protein change: p.Glu16061fs; shifts the reading frame from glutamic acid 16061.
Molecular consequence: frameshift variant.
Genome position (GRCh38, 1-based): chr2:178,616,614, G deleted on the plus strand (C on the coding strand, the reverse complement: TTN is on the minus strand); the first of 3 consecutive G bases (chr2:178,616,614-178,616,616); deleting any one gives the same sequence. VCF-style (leftmost placement, unchanged base first): chr2-178616613-TG-T. GRCh37 (hg19) VCF-style: chr2-179481340-TG-T.
Other names: c.43254del, p.Glu14420fs (NM_001256850.1); c.20982del, p.Glu6996fs (NM_003319.4); c.40473del, p.Glu13493fs (NM_133378.4); c.21357del, p.Glu7121fs (NM_133432.3); c.21558del, p.Glu7188fs (NM_133437.4); short protein forms E14420fs, E16061fs, E6996fs, E7121fs, E7188fs, E13493fs.
Identifiers: ClinVar variation 2932007 (VCV002932007.3), dbSNP rs2470808618, ClinGen allele CA2740096154.

ClinVar aggregate classification (germline): Likely pathogenic (1 of 4 stars; one submission).

Conditions:
Autosomal recessive limb-girdle muscular dystrophy type 2J (LGMDR10). Also called: Limb-girdle muscular dystrophy, type 2J; MUSCULAR DYSTROPHY, LIMB-GIRDLE, AUTOSOMAL RECESSIVE 10. Identifiers: Orphanet 140922, MedGen C1837342, MONDO:0012127, OMIM 608807.
Dilated cardiomyopathy 1G (CMD1G). Identifiers: Orphanet 154, MedGen C1858763, MONDO:0011400, OMIM 604145.

Submission:

Labcorp Genetics (formerly Invitae), Labcorp
Classification: Likely pathogenic for Dilated cardiomyopathy 1G; Autosomal recessive limb-girdle muscular dystrophy type 2J. Last evaluated: 2023-01-31. Review status: criteria provided, single submitter. Criteria: Invitae Variant Classification Sherloc (09022015). Collection method: clinical testing. Allele origin: germline.
Comment: This sequence change creates a premature translational stop signal (p.Glu16061Asnfs*2) in the TTN gene. While this is not anticipated to result in nonsense mediated decay, it is expected to create a truncated TTN protein. This variant is not present in population databases (gnomAD no frequency). This variant has not been reported in the literature in individuals affected with TTN-related conditions. This variant is located in the A band of TTN (PMID: 25589632). Truncating variants in this region are significantly overrepresented in patients affected with dilated cardiomyopathy (PMID: 25589632). Truncating variants in this region have also been reported in individuals affected with autosomal recessive centronuclear myopathy (PMID: 23975875). In summary, the currently available evidence indicates that the variant is pathogenic, but additional data are needed to prove that conclusively. Therefore, this variant has been classified as Likely Pathogenic.

Literature cited by the submitters: PubMed 25589632; PubMed 23975875.